The following is an entry in ClinVar:

NM_001854.4(COL11A1):c.3496G>T (p.Gly1166Cys)

Gene: COL11A1 (collagen type XI alpha 1 chain; minus strand). Cytogenetic location: 1p21.1.
Variant type: single nucleotide variant.
Coding change: c.3496G>T on transcript NM_001854.4 (MANE Select); coding-DNA position 3496, G replaced by T.
Protein change: p.Gly1166Cys; replaces glycine 1166 with cysteine.
Molecular consequence: missense variant. On other transcripts: non-coding transcript variant (1).
Genome position (GRCh38, 1-based): chr1:102,934,553, C>A on the plus strand (G>T on the coding strand, the complement: COL11A1 is on the minus strand). VCF-style: chr1-102934553-C-A. GRCh37 (hg19) VCF-style: chr1-103400109-C-A.
Other names: c.3379G>T, p.Gly1127Cys (NM_001190709.2); c.3532G>T, p.Gly1178Cys (NM_080629.3); c.3148G>T, p.Gly1050Cys (NM_080630.4); c.3496G>T (NM_001854.3); short protein forms G1127C, G1178C, G1050C, G1166C.
Identifiers: ClinVar variation 871865 (VCV000871865.47), dbSNP rs777456846, ClinGen allele CA973974.
Genomic context (GRCh38, chr1:102,934,553, plus strand): 5'-CCTCATCACCTTTTTGCCCAAACATCCCCTGCTGTCCTCTAGGACCTGGTTCACCATCAC[C>A]TCCCTAGAGAAGAGAAAGAAACATTATCACAAACTGGAAAAAATCATTACGATATGAGTC-3'
Protein context (NP_001845.3, residues 1156-1176): GPVGAPGIAG[Gly1166Cys]DGEPGPRGQQ

ClinVar aggregate classification (germline): Conflicting classifications of pathogenicity. Review status: criteria provided, conflicting classifications (1 of 4 stars). 4 submissions from 4 submitters: Uncertain significance (3); Likely benign (1). Last evaluated 2023-12-04.

Allele frequency attached by ClinVar (database versions not stated): ExAC 0.00001; gnomAD exomes 0.00001.
gnomAD v4.1: 7 of 1,611,678 alleles (0.00043%); highest among the groups gnomAD compares: Admixed American, 0.0017%; no homozygotes.

Submissions (4):

GeneDx
Classification: Uncertain significance. Last evaluated: 2023-12-04. Review status: criteria provided, single submitter. Criteria: GeneDx Variant Classification Process June 2021. Collection method: clinical testing. Allele origin: germline. Affected: yes.
Comment: Has not been previously published as pathogenic or benign to our knowledge; Not observed at significant frequency in large population cohorts (gnomAD); In silico analysis supports that this missense variant does not alter protein structure/function

Blueprint Genetics
Classification: Uncertain significance. Last evaluated: 2023-11-13. Review status: criteria provided, single submitter. Criteria: ACMG Guidelines, 2015. Collection method: clinical testing. Allele origin: germline.

Labcorp Genetics (formerly Invitae), Labcorp
Classification: Likely benign. Last evaluated: 2023-06-27. Review status: criteria provided, single submitter. Criteria: Invitae Variant Classification Sherloc (09022015). Collection method: clinical testing. Allele origin: germline.

CeGaT Center for Human Genetics Tuebingen
Classification: Uncertain significance. Last evaluated: 2020-01-01. Review status: criteria provided, single submitter. Criteria: CeGaT Center For Human Genetics Tuebingen Variant Classification Criteria Version 2. Collection method: clinical testing. Allele origin: germline. Affected: yes. Observed: 1 variant allele.